The following is an entry in ClinVar:

ClinVar aggregate classification (germline): Uncertain significance (1 of 4 stars; one submission).

gnomAD v4.1: 5 of 1,613,324 alleles (0.00031%); highest among the groups gnomAD compares: Non-Finnish European, 0.00042%; no homozygotes.

Submission:

Labcorp Genetics (formerly Invitae), Labcorp
Classification: Uncertain significance. Last evaluated: 2023-11-02. Review status: criteria provided, single submitter. Criteria: Invitae Variant Classification Sherloc (09022015). Collection method: clinical testing. Allele origin: germline.
Comment: This sequence change replaces valine, which is neutral and non-polar, with alanine, which is neutral and non-polar, at codon 551 of the C3 protein (p.Val551Ala). This variant is not present in population databases (gnomAD no frequency). This variant has not been reported in the literature in individuals affected with C3-related conditions. Advanced modeling of protein sequence and biophysical properties (such as structural, functional, and spatial information, amino acid conservation, physicochemical variation, residue mobility, and thermodynamic stability) performed at Invitae indicates that this missense variant is not expected to disrupt C3 protein function with a negative predictive value of 80%. In summary, the available evidence is currently insufficient to determine the role of this variant in disease. Therefore, it has been classified as a Variant of Uncertain Significance.

NM_000064.4(C3):c.1652T>C (p.Val551Ala)

Gene: C3 (complement C3; minus strand). Cytogenetic location: 19p13.3.
Variant type: single nucleotide variant.
Coding change: c.1652T>C on transcript NM_000064.4 (MANE Select); coding-DNA position 1652, T replaced by C.
Protein change: p.Val551Ala; replaces valine 551 with alanine.
Molecular consequence: missense variant.
Genome position (GRCh38, 1-based): chr19:6,710,673, A>G on the plus strand (T>C on the coding strand, the complement: C3 is on the minus strand). VCF-style: chr19-6710673-A-G. GRCh37 (hg19) VCF-style: chr19-6710684-A-G.
Other names: short protein forms V551A.
Identifiers: ClinVar variation 2895143 (VCV002895143.3), dbSNP rs2512262033, ClinGen allele CA403640279.